The following is an entry in ClinVar:

ClinVar aggregate classification (germline): Benign/Likely benign. Review status: criteria provided, multiple submitters, no conflicts (2 of 4 stars). 3 submissions from 3 submitters: Benign (1); Likely benign (1). 1 of the submissions does not count toward it. Last evaluated 2026-01-26.

Conditions:
KAT6A-related disorder. Also called: KAT6A-related condition.
Inborn genetic diseases. Identifiers: MedGen C0950123, MeSH D030342.

Allele frequency attached by ClinVar (database versions not stated): gnomAD exomes 0.00001; ExAC 0.00004; gnomAD 0.00009; 1000 Genomes Project 30x 0.00016; TOPMed 0.00018; 1000 Genomes Project 0.00020.
gnomAD v4.1: 36 of 1,613,718 alleles (0.0022%); highest among the groups gnomAD compares: African/African-American, 0.043%; no homozygotes.

Submissions (3):

Labcorp Genetics (formerly Invitae), Labcorp
Classification: Benign. Last evaluated: 2026-01-26. Review status: criteria provided, single submitter. Criteria: Invitae Variant Classification Sherloc (09022015). Collection method: clinical testing. Allele origin: germline.

Ambry Genetics
Classification: Likely benign for Inborn genetic diseases. Last evaluated: 2017-08-25. Review status: criteria provided, single submitter. Criteria: Ambry Variant Classification Scheme 2023. Collection method: clinical testing. Allele origin: germline.

PreventionGenetics, part of Exact Sciences
Classification: Likely benign for KAT6A-related condition. Last evaluated: 2019-08-21. Review status: no assertion criteria provided. Collection method: clinical testing. Allele origin: germline. Not counted in ClinVar's aggregate classification.
Comment: This variant is classified as likely benign based on ACMG/AMP sequence variant interpretation guidelines (Richards et al. 2015 PMID: 25741868, with internal and published modifications).

NM_006766.5(KAT6A):c.3837C>T (p.Val1279=)

Gene: KAT6A (lysine acetyltransferase 6A; minus strand). Cytogenetic location: 8p11.21.
Variant type: single nucleotide variant.
Coding change: c.3837C>T on transcript NM_006766.5 (MANE Select); coding-DNA position 3837, C replaced by T.
Protein change: p.Val1279=; no amino-acid change (valine 1279 retained).
Molecular consequence: synonymous variant.
Genome position (GRCh38, 1-based): chr8:41,934,383, G>A on the plus strand (C>T on the coding strand, the complement: KAT6A is on the minus strand). VCF-style: chr8-41934383-G-A. GRCh37 (hg19) VCF-style: chr8-41791901-G-A.
Other names: c.3837C>T (NM_006766.4).
Identifiers: ClinVar variation 1735389 (VCV001735389.9), dbSNP rs527685141, ClinGen allele CA4729594.